The following is an entry in ClinVar:

ClinVar aggregate classification (germline): Uncertain significance (1 of 4 stars; one submission).

Conditions:
Hereditary cancer-predisposing syndrome. Also called: Tumor predisposition; Hereditary Cancer Syndrome; Hereditary neoplastic syndrome; Neoplastic Syndromes, Hereditary. Identifiers: Orphanet 140162, MedGen C0027672, MeSH D009386, MONDO:0015356.

Submission:

Ambry Genetics
Classification: Uncertain significance for Hereditary cancer-predisposing syndrome. Last evaluated: 2024-06-23. Review status: criteria provided, single submitter. Criteria: Ambry Variant Classification Scheme 2023. Collection method: clinical testing. Allele origin: germline.
Comment: The p.F1127C variant (also known as c.3380T>G), located in coding exon 21 of the ALK gene, results from a T to G substitution at nucleotide position 3380. The phenylalanine at codon 1127 is replaced by cysteine, an amino acid with highly dissimilar properties. This amino acid position is conserved. In addition, this alteration is predicted to be deleterious by in silico analysis. Based on the available evidence, the clinical significance of this variant remains unclear.

NM_004304.5(ALK):c.3380T>G (p.Phe1127Cys)

Gene: ALK (ALK receptor tyrosine kinase; minus strand). Cytogenetic location: 2p23.2.
Variant type: single nucleotide variant.
Coding change: c.3380T>G on transcript NM_004304.5 (MANE Select); coding-DNA position 3380, T replaced by G.
Protein change: p.Phe1127Cys; replaces phenylalanine 1127 with cysteine.
Molecular consequence: missense variant.
Genome position (GRCh38, 1-based): chr2:29,222,587, A>C on the plus strand (T>G on the coding strand, the complement: ALK is on the minus strand). VCF-style: chr2-29222587-A-C. GRCh37 (hg19) VCF-style: chr2-29445453-A-C.
Other names: c.176T>G, p.Phe59Cys (NM_001353765.2); short protein forms F1127C, F59C.
Identifiers: ClinVar variation 3286610 (VCV003286610.1).